The following is an entry in ClinVar:

ClinVar aggregate classification (germline): Uncertain significance (1 of 4 stars; one submission).

gnomAD v4.1: 14 of 1,614,088 alleles (0.00087%); highest among the groups gnomAD compares: South Asian, 0.013%; 1 homozygote.

Submission:

Labcorp Genetics (formerly Invitae), Labcorp
Classification: Uncertain significance. Last evaluated: 2025-12-19. Review status: criteria provided, single submitter. Criteria: Invitae Variant Classification Sherloc (09022015). Collection method: clinical testing. Allele origin: germline.
Comment: This sequence change replaces valine, which is neutral and non-polar, with alanine, which is neutral and non-polar, at codon 46 of the ADCY10 protein (p.Val46Ala). This variant is present in population databases (rs751591067, gnomAD 0.02%). This variant has not been reported in the literature in individuals affected with ADCY10-related conditions. An algorithm developed to predict the effect of missense changes on protein structure and function (PolyPhen-2) suggests that this variant is likely to be disruptive. In summary, the available evidence is currently insufficient to determine the role of this variant in disease. Therefore, it has been classified as a Variant of Uncertain Significance.

NM_018417.6(ADCY10):c.137T>C (p.Val46Ala)

Genes: ADCY10 (adenylate cyclase 10; minus strand), DCAF6 (DDB1 and CUL4 associated factor 6; plus strand). Cytogenetic location: 1q24.2.
Variant type: single nucleotide variant.
Coding change: c.137T>C on transcript NM_018417.6 (MANE Select); coding-DNA position 137, T replaced by C.
Protein change: p.Val46Ala; replaces valine 46 with alanine.
Molecular consequence: missense variant. On other transcripts: 5 prime UTR variant (1), intron variant (1).
Genome position (GRCh38, 1-based): chr1:167,905,004, A>G on the plus strand (T>C on the coding strand, the complement: ADCY10 is on the minus strand). VCF-style: chr1-167905004-A-G. GRCh37 (hg19) VCF-style: chr1-167874242-A-G.
Other names: c.-177T>C (NM_001297772.2); c.-62-2950T>C (NM_001167749.3); short protein forms V46A.
Identifiers: ClinVar variation 4690841 (VCV004690841.1).